The following is an entry in ClinVar:

ClinVar aggregate classification (germline): Pathogenic (1 of 4 stars; one submission).

Conditions:
Ehlers-Danlos syndrome due to tenascin-X deficiency (EDSCLL1). Also called: EDS DUE TO TNX DEFICIENCY; TNX DEFICIENCY; Ehlers-Danlos syndrome, classic-like, 1; EHLERS-DANLOS SYNDROME, CLASSIC-LIKE; TNXB-Related Classical-Like Ehlers-Danlos Syndrome. Identifiers: Orphanet 230839, MedGen C1848029, MONDO:0011670, OMIM 606408.

Submission:

Myriad Genetics, Inc.
Classification: Pathogenic for Ehlers-Danlos syndrome due to tenascin-X deficiency. Last evaluated: 2026-05-16. Review status: criteria provided, single submitter. Criteria: Myriad Autosomal Dominant, Autosomal Recessive and X-Linked Classification Criteria (2023). Collection method: clinical testing. Allele origin: unknown.
Comment: NM_019105.6(TNXB):c.10097_10098delCT(P3366Rfs*11) is expected to be pathogenic in the context of classical-like Ehlers-Danlos syndrome, TNXB-related. This variant is predicted to lead to an abnormal or absent protein product due to the creation of a premature termination codon in TNXB, a gene where loss-of-function variants are known to be pathogenic. Please note: this variant was assessed in the context of healthy population screening.

NM_001365276.2(TNXB):c.10103_10104del (p.Pro3368fs)

Gene: TNXB (tenascin XB; minus strand). Cytogenetic location: 6p21.33.
Variant type: Deletion.
Coding change: c.10103_10104del on transcript NM_001365276.2 (MANE Select); coding-DNA positions 10103 to 10104, 2 bases deleted (CT; older notation c.10103_10104delCT).
Protein change: p.Pro3368fs; shifts the reading frame from proline 3368.
Molecular consequence: frameshift variant.
Genome position (GRCh38, 1-based): chr6:32,047,954-32,047,955, AG deleted on the plus strand (CT on the coding strand, the reverse complement: TNXB is on the minus strand). VCF-style (leftmost placement, unchanged base first): chr6-32047953-CAG-C. GRCh37 (hg19) VCF-style: chr6-32015730-CAG-C.
Other names: c.10844_10845del, p.Pro3615fs (NM_001428335.1); c.10097_10098del, p.Pro3366fs (NM_019105.8); short protein forms P3366fs, P3368fs, P3615fs.
Identifiers: ClinVar variation 5015918 (VCV005015918.1).